The following is an entry in ClinVar:

ClinVar aggregate classification (germline): Uncertain significance (1 of 4 stars; one submission).

Conditions:
Inborn genetic diseases. Identifiers: MedGen C0950123, MeSH D030342.

Submission:

Ambry Genetics
Classification: Uncertain significance for Inborn genetic diseases. Last evaluated: 2024-12-22. Review status: criteria provided, single submitter. Criteria: Ambry Variant Classification Scheme 2023. Collection method: clinical testing. Allele origin: germline.
Comment: The p.V1337I variant (also known as c.4009G>A), located in coding exon 1 of the SAMD9 gene, results from a G to A substitution at nucleotide position 4009. The valine at codon 1337 is replaced by isoleucine, an amino acid with highly similar properties. This amino acid position is conserved. In addition, this alteration is predicted to be tolerated by in silico analysis. Based on the available evidence, the clinical significance of this variant remains unclear.

NM_017654.4(SAMD9):c.4009G>A (p.Val1337Ile)

Gene: SAMD9 (sterile alpha motif domain containing 9; minus strand). Cytogenetic location: 7q21.2.
Variant type: single nucleotide variant.
Coding change: c.4009G>A on transcript NM_017654.4 (MANE Select); coding-DNA position 4009, G replaced by A.
Protein change: p.Val1337Ile; replaces valine 1337 with isoleucine.
Molecular consequence: missense variant.
Genome position (GRCh38, 1-based): chr7:93,102,089, C>T on the plus strand (G>A on the coding strand, the complement: SAMD9 is on the minus strand). VCF-style: chr7-93102089-C-T. GRCh37 (hg19) VCF-style: chr7-92731402-C-T.
Other names: c.4009G>A, p.Val1337Ile (NM_001193307.2); short protein forms V1337I.
Identifiers: ClinVar variation 3791949 (VCV003791949.1).